The following is an entry in ClinVar:

ClinVar aggregate classification (germline): Conflicting classifications of pathogenicity. Review status: criteria provided, conflicting classifications (1 of 4 stars). 7 submissions from 7 submitters: Uncertain significance (2); Benign (2); Likely benign (2). 1 of the submissions does not count toward it. Last evaluated 2025-12-13.

Conditions:
CFTR-related disorder (CFTR-RD). Also called: CFTR-related disorders; CFTR-related condition. Identifiers: MedGen C5924204, MONDO:7770004.
Cystic fibrosis (CF). Also called: MUCOVISCIDOSIS. Identifiers: Orphanet 586, MedGen C0010674, MONDO:0009061, OMIM 219700. Disease mechanism: loss of function.

Submissions (7):

Labcorp Genetics (formerly Invitae), Labcorp
Classification: Benign for Cystic fibrosis. Last evaluated: 2025-12-13. Review status: criteria provided, single submitter. Criteria: Invitae Variant Classification Sherloc (09022015). Collection method: clinical testing. Allele origin: germline.

Women's Health and Genetics/Laboratory Corporation of America, LabCorp
Classification: Likely benign. Last evaluated: 2025-04-23. Review status: criteria provided, single submitter. Criteria: LabCorp Variant Classification Summary - May 2015. Collection method: clinical testing. Allele origin: germline.
Comment: Variant summary: CFTR c.870-7_870-5delTTT alters a nucleotide located at a position not widely known to affect splicing. Consensus agreement among computation tools predict no significant impact on normal splicing. However, these predictions have yet to be confirmed by functional studies. The variant allele was found at a frequency of 0.00021 in 1601212 control chromosomes, predominantly at a frequency of 0.0036 within the South Asian subpopulation in the gnomAD database (v4.1 dataset), including 5 homozygotes. This frequency is not higher than the maximum estimated for a pathogenic variant in CFTR causing Cystic Fibrosis (CF) in the Caucasian population (0.013), however recent studies reported that the estimated prevalence of CF is lower in South Asians (PMIDs: 35857025, 32466381, 33073015), suggesting that the variant is likely a benign polymorphism found primarily in populations of South Asian origin. The variant, c.870-7_870-5delTTT, has been observed in the homozygous state in at least one South Asian individual affected with suspected/mild Cystic Fibrosis (Shastri_2008), however no full gene sequencing was performed, thus the causal role of other co-occurring variants cannot be excluded. In addition, the variant was also reported in a case with a positive newborn screening test together with a pathogenic variant, however the phase of the variants was not specified (Kharrazi_2015). These reports therefore do not provide unequivocal conclusions about association of the variant with Cystic Fibrosis. To our knowledge, no experimental evidence demonstrating an impact on protein function has been reported. The following publications have been ascertained in the context of this evaluation (PMID: 26574590, 17716958). ClinVar contains an entry for this variant (Variation ID: 439088). Based on the evidence outlined above, the variant was classified as likely benign.

ARUP Laboratories, Molecular Genetics and Genomics, ARUP Laboratories
Classification: Uncertain significance. Last evaluated: 2024-07-12. Review status: criteria provided, single submitter. Criteria: ARUP Molecular Germline Variant Investigation Process 2024. Collection method: clinical testing. Allele origin: germline.
Comment: The CFTR c.870-7_870-5del variant (rs759762840) has been reported in a homozygous state in an individual with predominantly gastrointestinal symptoms associated with CFTR-related disorder, but not classical cystic fibrosis (Shastri 2008). In addition, this variant was found along with a second pathogenic variant in an individual with cystic fibrosis (Kharrazzi 2015). This variant is reported in ClinVar (Variation ID: 439088), and is found in the South Asian population with an allele frequency of 0.38% (117/30,488 alleles, including 2 homozygotes) in the Genome Aggregation Database (v2.1.1). This deletion occurs upstream of the acceptor splice consensus sequence of intron six, and computational analyses (Alamut v.2.11) predict that this variant does not alter splicing. Although the c.870-7_870-5del variant is unlikely to be causative of cystic fibrosis, its clinical significance in CFTR-related disorders cannot be determined with certainty. References: Kharrazi M et al. Newborn Screening for Cystic Fibrosis in California. Pediatrics. 2015 Dec;136(6):1062-72. PMID: 26574590. Shastri S et al. Characterisation of mutations and genotype-phenotype correlation in cystic fibrosis: experience from India. J Cyst Fibros. 2008; 7(2):110-5. PMID: 17716958.

Ambry Genetics
Classification: Benign for Cystic fibrosis. Last evaluated: 2023-06-07. Review status: criteria provided, single submitter. Criteria: Ambry Variant Classification Scheme 2023. Collection method: clinical testing. Allele origin: germline.

Eurofins Ntd Llc (ga)
Classification: Likely benign. Last evaluated: 2017-05-30. Review status: criteria provided, single submitter. Criteria: EGL Classification Definitions 2015. Collection method: clinical testing. Allele origin: germline. Observed: 1 variant allele, 1 heterozygote.

Quest Diagnostics Nichols Institute San Juan Capistrano
Classification: Uncertain significance. Last evaluated: 2017-03-06. Review status: criteria provided, single submitter. Criteria: Quest Diagnostics criteria. Collection method: clinical testing. Allele origin: germline.

PreventionGenetics, part of Exact Sciences
Classification: Likely benign for CFTR-related condition. Last evaluated: 2023-12-07. Review status: no assertion criteria provided. Collection method: clinical testing. Allele origin: germline. Not counted in ClinVar's aggregate classification.
Comment: This variant is classified as likely benign based on ACMG/AMP sequence variant interpretation guidelines (Richards et al. 2015 PMID: 25741868, with internal and published modifications).

Literature cited by the submitters: PubMed 17968991 (cited by Women's Health and Genetics/Laboratory Corporation of America, LabCorp); PubMed 22664493 (cited by Women's Health and Genetics/Laboratory Corporation of America, LabCorp); PubMed 24440239 (cited by Women's Health and Genetics/Laboratory Corporation of America, LabCorp); PubMed 17716958 (cited by 3 submitters); PubMed 26574590 (cited by Women's Health and Genetics/Laboratory Corporation of America, LabCorp and Eurofins Ntd Llc (ga)).

NM_000492.4(CFTR):c.870-7_870-5del

Gene: CFTR (CF transmembrane conductance regulator; plus strand). Cytogenetic location: 7q31.2.
Variant type: Deletion.
Coding change: c.870-7_870-5del on transcript NM_000492.4 (MANE Select); 7 bases into the intron before coding-DNA position 870 through 5 bases into the intron before coding-DNA position 870, 3 bases deleted (TTT; older notation c.870-7_870-5delTTT).
Molecular consequence: intron variant.
Genome position (GRCh38, 1-based): chr7:117,540,093-117,540,095, TTT deleted; deleting any 3 consecutive bases within chr7:117,540,090-117,540,095 gives the same sequence; the c. name uses the placement nearest the transcript's 3' end. VCF-style (leftmost placement, unchanged base first): chr7-117540089-GTTT-G. GRCh37 (hg19) VCF-style: chr7-117180143-GTTT-G.
Other names: c.870-7_870-5delTTT (NM_000492.3, NM_000492.4).
Identifiers: ClinVar variation 439088 (VCV000439088.30), dbSNP rs759762840, ClinGen allele CA4450855.